The following is an entry in ClinVar:

NM_000135.4(FANCA):c.3766-2A>G

Genes: FANCA (FA complementation group A; minus strand), ZNF276 (zinc finger protein 276; plus strand). Cytogenetic location: 16q24.3.
Variant type: single nucleotide variant.
Coding change: c.3766-2A>G on transcript NM_000135.4 (MANE Select); the canonical splice acceptor site of the intron before coding-DNA position 3766, A replaced by G.
Molecular consequence: splice acceptor variant. On other transcripts: 3 prime UTR variant (2), non-coding transcript variant (4).
Genome position (GRCh38, 1-based): chr16:89,740,868, T>C on the plus strand (A>G on the coding strand, the complement: FANCA is on the minus strand). VCF-style: chr16-89740868-T-C. GRCh37 (hg19) VCF-style: chr16-89807276-T-C.
Other names: c.*2622T>C (NM_001113525.2, NM_152287.4); c.3766-2A>G (NM_001286167.3).
Identifiers: ClinVar variation 974264 (VCV000974264.6), dbSNP rs1219402916, ClinGen allele CA397485263.
Genomic context (GRCh38, chr16:89,740,868, plus strand): 5'-GAGGTCAGATGTGACGACAGCAGGCCCATCAAGGAGAAGAAGAAAAGGAAAACCAATAGC[T>C]GTAAATAAAAACGTGCACTTATTATTACATTAAAATTACCTGTGCTGTCATTCTAAATAA-3'

ClinVar aggregate classification (germline): Likely pathogenic. Review status: criteria provided, multiple submitters, no conflicts (2 of 4 stars). 3 submissions from 3 submitters: Likely pathogenic (2). 1 of the submissions does not count toward it. Last evaluated 2025-06-17.

Conditions:
Fanconi anemia (FA). Also called: Fanconi's anemia. Identifiers: Orphanet 84, MedGen C0015625, MeSH D005199, MONDO:0019391.
Fanconi anemia complementation group A (FANCA). Also called: Fanconi anemia, group A; FANCA-Related Fanconi Anemia. Identifiers: Orphanet 84, MedGen C3469521, MONDO:0009215, OMIM 227650.

Allele frequency attached by ClinVar (database versions not stated): TOPMed below 0.00001; gnomAD 0.00001.
gnomAD v4.1: 1 of 1,611,726 alleles (0.000062%); highest among the groups gnomAD compares: Non-Finnish European, 0.000085%; no homozygotes.

Submissions (3):

St. Jude Molecular Pathology, St. Jude Children's Research Hospital
Classification: Likely pathogenic for Fanconi anemia complementation group A. Last evaluated: 2025-06-17. Review status: criteria provided, single submitter. Criteria: St. Jude Assertion Criteria 2020. Collection method: clinical testing. Allele origin: germline.
Comment: The FANCA c.3766-2A>G intronic change results in an A to G substitution at the -2 position of intron 37 of the FANCA gene. This variant is predicted to result in skipping of exon 38, but is expected to preserve the integrity of the reading-frame. This variant disrupts a region of the FANCA protein in which another variant (c.3791_3793del) has been reported in individuals with Fanconi anemia and is known to be pathogenic. Additionally, loss of exon 38 has been reported in individuals with Fanconi anemia (PMID: 10090479). This variant is absent in gnomAD v2.1.1. In summary, this variant meets criteria to be classified as likely pathogenic.

Labcorp Genetics (formerly Invitae), Labcorp
Classification: Likely pathogenic for Fanconi anemia. Last evaluated: 2025-05-07. Review status: criteria provided, single submitter. Criteria: Invitae Variant Classification Sherloc (09022015). Collection method: clinical testing. Allele origin: germline.
Comment: This sequence change affects an acceptor splice site in intron 37 of the FANCA gene. It is expected to disrupt RNA splicing. Variants that disrupt the donor or acceptor splice site typically lead to a loss of protein function (PMID: 16199547), and loss-of-function variants in FANCA are known to be pathogenic (PMID: 19367192). This variant is not present in population databases (gnomAD no frequency). This variant has not been reported in the literature in individuals affected with FANCA-related conditions. ClinVar contains an entry for this variant (Variation ID: 974264). Algorithms developed to predict the effect of sequence changes on RNA splicing suggest that this variant may disrupt the consensus splice site. In summary, the currently available evidence indicates that the variant is pathogenic, but additional data are needed to prove that conclusively. Therefore, this variant has been classified as Likely Pathogenic.

Leiden Open Variation Database
Classification: Pathogenic for Fanconi anemia complementation group A. Last evaluated: 2020-02-28. Review status: no assertion criteria provided. Collection method: curation. Allele origin: germline. Affected: yes. Not counted in ClinVar's aggregate classification.
Comment: Curator: Arleen D. Auerbach. Submitter to LOVD: Arleen D. Auerbach.

Literature cited by the submitters: PubMed 16199547 (cited by Labcorp Genetics (formerly Invitae), Labcorp); PubMed 19367192 (cited by Labcorp Genetics (formerly Invitae), Labcorp).